The following is an entry in ClinVar:

ClinVar aggregate classification (germline): Uncertain significance (1 of 4 stars; one submission).

Conditions:
Arrhythmogenic right ventricular dysplasia 12. Also called: ARRHYTHMOGENIC RIGHT VENTRICULAR DYSPLASIA, FAMILIAL, 12. Identifiers: MedGen C1969081, MONDO:0012684, OMIM 611528.
Naxos disease (NXD). Also called: CARDIOMYOPATHY, ARRHYTHMOGENIC RIGHT VENTRICULAR, WITH SKIN, HAIR, AND NAIL ABNORMALITIES; KERATOSIS PALMOPLANTARIS WITH ARRHYTHMOGENIC CARDIOMYOPATHY; MAL DE NAXOS; PALMOPLANTAR KERATODERMA WITH ARRHYTHMOGENIC RIGHT VENTRICULAR CARDIOMYOPATHY AND WOOLLY HAIR; WOOLLY HAIR, PALMOPLANTAR KERATODERMA, AND CARDIAC ABNORMALITIES. Identifiers: Orphanet 34217, MedGen C1832600, MONDO:0011017, OMIM 601214.

Submission:

Labcorp Genetics (formerly Invitae), Labcorp
Classification: Uncertain significance for Arrhythmogenic right ventricular dysplasia 12; Naxos disease. Last evaluated: 2024-08-22. Review status: criteria provided, single submitter. Criteria: Invitae Variant Classification Sherloc (09022015). Collection method: clinical testing. Allele origin: germline.
Comment: This sequence change replaces valine, which is neutral and non-polar, with methionine, which is neutral and non-polar, at codon 486 of the JUP protein (p.Val486Met). This variant is present in population databases (rs781944907, gnomAD 0.003%). This variant has not been reported in the literature in individuals affected with JUP-related conditions. An algorithm developed to predict the effect of missense changes on protein structure and function (PolyPhen-2) suggests that this variant is likely to be tolerated. In summary, the available evidence is currently insufficient to determine the role of this variant in disease. Therefore, it has been classified as a Variant of Uncertain Significance.

NM_002230.4(JUP):c.1456G>A (p.Val486Met)

Gene: JUP (junction plakoglobin; minus strand). Cytogenetic location: 17q21.2.
Variant type: single nucleotide variant.
Coding change: c.1456G>A on transcript NM_002230.4 (MANE Select); coding-DNA position 1456, G replaced by A.
Protein change: p.Val486Met; replaces valine 486 with methionine.
Molecular consequence: missense variant.
Genome position (GRCh38, 1-based): chr17:41,763,024, C>T on the plus strand (G>A on the coding strand, the complement: JUP is on the minus strand). VCF-style: chr17-41763024-C-T. GRCh37 (hg19) VCF-style: chr17-39919276-C-T.
Other names: c.1456G>A, p.Val486Met (NM_001352773.2, NM_001352774.2, NM_001352775.2 and 3 more transcripts); short protein forms V486M.
Identifiers: ClinVar variation 3760799 (VCV003760799.2).